The following is an entry in ClinVar:

NM_000400.4(ERCC2):c.1479+2dup

Gene: ERCC2 (ERCC excision repair 2, TFIIH core complex helicase subunit; minus strand). Cytogenetic location: 19q13.32.
Variant type: Duplication.
Coding change: c.1479+2dup on transcript NM_000400.4 (MANE Select); the canonical splice donor site of the intron after coding-DNA position 1479, one base duplicated (T; older notation c.1479+2dupT).
Molecular consequence: splice donor variant.
Genome position (GRCh38, 1-based): chr19:45,357,268, A duplicated on the plus strand (T on the coding strand, the reverse complement: ERCC2 is on the minus strand). VCF-style (leftmost placement, unchanged base first): chr19-45357267-C-CA. GRCh37 (hg19) VCF-style: chr19-45860525-C-CA.
Other names: c.1479+2dupT (NM_000400.3).
Identifiers: ClinVar variation 329511 (VCV000329511.23), dbSNP rs776705174, ClinGen allele CA9513280.
Genomic context (GRCh38, chr19:45,357,267, plus strand): 5'-AAGGAGGGCGGCCCCTTGCCCCCATCTCCCCTCCCGGCCCCAGCCCTAGCCTCTCCCACT[C>CA]ACCATAGGGCAGAGGCAGACCCGTGCCAGCGTCATGGTGAAGGTTGCCATGGTGACGGGG-3'

ClinVar aggregate classification (germline): Pathogenic/Likely pathogenic. Review status: criteria provided, multiple submitters, no conflicts (2 of 4 stars). 9 submissions from 9 submitters: Pathogenic (5); Likely pathogenic (3). 1 of the submissions does not count toward it. Last evaluated 2025-11-19.

Conditions:
Cerebrooculofacioskeletal syndrome 2 (COFS2). Identifiers: MedGen C1853102, MONDO:0012553, OMIM 610756.
ERCC2-related disorder. Also called: ERCC2-related conditions; ERCC2-related condition; ERCC2-related disorders. Identifiers: MedGen CN239291.
Xeroderma pigmentosum, group D (XPD). Also called: XERODERMA PIGMENTOSUM, COMPLEMENTATION GROUP D; XERODERMA PIGMENTOSUM IV; XP, GROUP D; XP, GROUP H; ERCC2-Related Xeroderma Pigmentosum. Identifiers: MedGen C0268138, MONDO:0010212, OMIM 278730.
Trichothiodystrophy 1, photosensitive (TTD1). Also called: TAY SYNDROME; TRICHOTHIODYSTROPHY WITH CONGENITAL ICHTHYOSIS; PIBIDS SYNDROME. Identifiers: Orphanet 33364, MedGen C1866504, MONDO:0011125, OMIM 601675.
Xeroderma pigmentosum (XP). Identifiers: Orphanet 910, MedGen C0043346, MONDO:0019600.

Allele frequency attached by ClinVar (database versions not stated): ExAC 0.00001; gnomAD 0.00002; TOPMed 0.00003; gnomAD exomes 0.00005 and below 0.00001.

Submissions (9):

Labcorp Genetics (formerly Invitae), Labcorp
Classification: Pathogenic. Last evaluated: 2025-11-19. Review status: criteria provided, single submitter. Criteria: Invitae Variant Classification Sherloc (09022015). Collection method: clinical testing. Allele origin: germline.
Comment: This sequence change falls in intron 15 of the ERCC2 gene. It does not directly change the encoded amino acid sequence of the ERCC2 protein. It affects a nucleotide within the consensus splice site. This variant is present in population databases (rs776705174, gnomAD 0.002%). This variant has been observed in individual(s) with trichothiodystrophy (PMID: 7920640). In at least one individual the data is consistent with being in trans (on the opposite chromosome) from a pathogenic variant. This variant is also known as +T insertion in splice donor site of intron 15. ClinVar contains an entry for this variant (Variation ID: 329511). Variants that disrupt the consensus splice site are a relatively common cause of aberrant splicing (PMID: 17576681, 9536098). Algorithms developed to predict the effect of sequence changes on RNA splicing suggest that this variant may disrupt the consensus splice site. For these reasons, this variant has been classified as Pathogenic.

Myriad Genetics, Inc.
Classification: Likely pathogenic for ERCC2-related disorder. Last evaluated: 2025-04-22. Review status: criteria provided, single submitter. Criteria: Myriad Autosomal Dominant, Autosomal Recessive and X-Linked Classification Criteria (2023). Collection method: clinical testing. Allele origin: unknown.
Comment: NM_000400.3(ERCC2):c.1479+2dupT is a variant in a canonical splice site classified as likely pathogenic in the context of ERCC2-related disorders. c.1479+2dupT has been observed in cases with relevant disease (PMID: 7920640, 35615778, 39976384). Functional assessments of this variant are available in the literature (PMID: 7920640). c.1479+2dupT has been observed in referenced population frequency databases. In summary, NM_000400.3(ERCC2):c.1479+2dupT is a variant in a canonical splice site that has been observed more frequently in cases with the relevant disease than in healthy populations. Please note: this variant was assessed in the context of healthy population screening.

Fulgent Genetics
Classification: Pathogenic for Xeroderma pigmentosum, group D; Trichothiodystrophy 1, photosensitive; Cerebrooculofacioskeletal syndrome 2. Last evaluated: 2024-04-29. Review status: criteria provided, single submitter. Criteria: ACMG Guidelines, 2015. Collection method: clinical testing. Allele origin: germline.

Blueprint Genetics
Classification: Pathogenic for ERCC2-related disorders. Last evaluated: 2024-04-15. Review status: criteria provided, single submitter. Criteria: ACMG Guidelines, 2015. Collection method: clinical testing. Allele origin: germline. Affected: yes. Observed: 5 variant alleles.

Baylor Genetics
Classification: Pathogenic for Cerebrooculofacioskeletal syndrome 2. Last evaluated: 2024-02-09. Review status: criteria provided, single submitter. Criteria: ACMG Guidelines, 2015. Collection method: clinical testing. Allele origin: unknown.

Women's Health and Genetics/Laboratory Corporation of America, LabCorp
Classification: Likely pathogenic for Xeroderma pigmentosum. Last evaluated: 2023-02-04. Review status: criteria provided, single submitter. Criteria: LabCorp Variant Classification Summary - May 2015. Collection method: clinical testing. Allele origin: germline.
Comment: Variant summary: ERCC2 c.1479+2dupT alters a nucleotide located close to a canonical splice site and therefore could affect mRNA splicing, leading to a significantly altered protein sequence. Several computational tools predict a significant impact on normal splicing: Three predict the variant abolishes the canonical 5' splicing donor site and one predicts the variant weakens the canonical 5' donor site. This variant has been found to affect mRNA splicing, resulting in loss of exon 15 or the last 18 nucleotides of exon 15 due to use of a cryptic splice site (Broughton_1994). The variant allele was found at a frequency of 4e-06 in 248778 control chromosomes (gnomAD). c.1479+2dupT has been reported in the literature in individuals affected with trichothiodystrophy (Broughton_1994). These data indicate that the variant may be associated with disease. Four ClinVar submitters have assessed the variant since 2014: one classified the variant as uncertain significance, one as likely pathogenic, and two as pathogenic. Based on the evidence outlined above, the variant was classified as likely pathogenic.

GeneDx
Classification: Pathogenic. Last evaluated: 2021-10-27. Review status: criteria provided, single submitter. Criteria: GeneDx Variant Classification Process June 2021. Collection method: clinical testing. Allele origin: germline. Affected: yes.
Comment: Canonical splice site variant expected to result in aberrant splicing. Functional studies have demonstrated two mRNA products are created; one with loss of exon 15 and another with an 18bp deletion due to use of a cryptic site (Broughton et al., 1994); Not observed at a significant frequency in large population cohorts (Lek et al., 2016); This variant is associated with the following publications: (PMID: 7920640, 31980526)

Laboratory for Molecular Medicine, Mass General Brigham Personalized Medicine
Classification: Likely pathogenic for Xeroderma pigmentosum. Last evaluated: 2018-04-18. Review status: criteria provided, single submitter. Criteria: LMM Criteria. Collection method: clinical testing. Allele origin: germline. Inheritance: Autosomal recessive inheritance. Observed: 1 variant allele.
Comment: The c.1479+2dupT variant in ERCC2 has been reported in 2 individuals with Xerode rma pigmentosum, including in trans with a truncating allele in one individual ( Broughton 1994), and has been reported in ClinVar (Variation ID: 329511). The va riant has been identified in 2/110536 European chromosomes by the Genome Aggrega tion Database (gnomAD; dbSNP rs776705174). Pl ease note that for diseases with clinical variability, reduced penetrance, or re cessive inheritance, pathogenic variants may be present at a low frequency in th e general population. This variant occurs in the invariant region (+/- 1,2) of t he splice consensus sequence and is predicted to cause altered splicing leading to an abnormal or absent protein. In vitro data suggest this variant results in the deletion of 18 nucleotides, corresponding to an in-frame deletion. In summar y, although additional studies are required to fully establish its clinical sign ificance, the c.1479+2dupT variant is likely pathogenic. ACMG/AMP Criteria appli ed: PM2; PM3; PM4.

PreventionGenetics, part of Exact Sciences
Classification: Pathogenic for ERCC2-related condition. Last evaluated: 2024-08-01. Review status: no assertion criteria provided. Collection method: clinical testing. Allele origin: germline. Not counted in ClinVar's aggregate classification.
Comment: The ERCC2 c.1479+2dupT variant is predicted to result in an intronic duplication. This variant was reported in the compound heterozygous state in two unrelated individuals with ERCC2-related disorders. RT-PCR studies derived from patients harboring this variant revealed two aberrant transcripts, one containing an 18bp deletion resulting in loss of amino acids 488-493 at the 3' end of exon 15 and another containing a 102bp deletion resulting in loss of amino acids 460-493 corresponding to exon 15 (described as +T insertion in the splice donor site of intron 15 in Broughton et al 1994. PubMed ID: 7920640). This variant is reported in 0.00089% of alleles in individuals of European (Non-Finnish) descent in gnomAD. This variant is interpreted as pathogenic.

Literature cited by the submitters: PubMed 7920640 (cited by 4 submitters); PubMed 17576681 (cited by Labcorp Genetics (formerly Invitae), Labcorp); PubMed 9536098 (cited by Labcorp Genetics (formerly Invitae), Labcorp); PubMed 35615778 (cited by Myriad Genetics, Inc.); PubMed 39976384 (cited by Myriad Genetics, Inc.).